The following is an entry in ClinVar:

NM_024884.3(L2HGDH):c.368A>G (p.Tyr123Cys)

Gene: L2HGDH (L-2-hydroxyglutarate dehydrogenase; minus strand). Cytogenetic location: 14q21.3.
Variant type: single nucleotide variant.
Coding change: c.368A>G on transcript NM_024884.3 (MANE Select); coding-DNA position 368, A replaced by G.
Protein change: p.Tyr123Cys; replaces tyrosine 123 with cysteine.
Molecular consequence: missense variant.
Genome position (GRCh38, 1-based): chr14:50,302,057, T>C on the plus strand (A>G on the coding strand, the complement: L2HGDH is on the minus strand). VCF-style: chr14-50302057-T-C. GRCh37 (hg19) VCF-style: chr14-50768775-T-C.
Other names: short protein forms Y123C.
Identifiers: ClinVar variation 1709367 (VCV001709367.4), dbSNP rs2502517059, ClinGen allele CA389658919.

ClinVar aggregate classification (germline): Likely pathogenic. Review status: criteria provided, multiple submitters, no conflicts (2 of 4 stars). 3 submissions from 3 submitters: Likely pathogenic (2). 1 of the submissions does not count toward it. Last evaluated 2026-01-21.

Conditions:
L-2-hydroxyglutaric aciduria (L2HGA). Identifiers: Orphanet 79314, MedGen C1855995, MONDO:0009370, OMIM 236792, HP:0040144.

Allele frequency attached by ClinVar (database versions not stated): gnomAD exomes below 0.00001.
gnomAD v4.1: 1 of 1,614,198 alleles (0.000062%); highest among the groups gnomAD compares: Middle Eastern, 0.016%; no homozygotes.

Submissions (3):

Labcorp Genetics (formerly Invitae), Labcorp
Classification: Likely pathogenic for L-2-hydroxyglutaric aciduria. Last evaluated: 2026-01-21. Review status: criteria provided, single submitter. Criteria: Invitae Variant Classification Sherloc (09022015). Collection method: clinical testing. Allele origin: germline.
Comment: This sequence change replaces tyrosine, which is neutral and polar, with cysteine, which is neutral and slightly polar, at codon 123 of the L2HGDH protein (p.Tyr123Cys). This variant is not present in population databases (gnomAD no frequency). This missense change has been observed in individuals with clinical features of L-2-hydroxyglutaric aciduria (PMID: 31942424; internal data). ClinVar contains an entry for this variant (Variation ID: 1709367). Invitae Evidence Modeling of protein sequence and biophysical properties (such as structural, functional, and spatial information, amino acid conservation, physicochemical variation, residue mobility, and thermodynamic stability) indicates that this missense variant is expected to disrupt L2HGDH protein function with a positive predictive value of 95%. In summary, the currently available evidence indicates that the variant is pathogenic, but additional data are needed to prove that conclusively. Therefore, this variant has been classified as Likely Pathogenic.

MGZ Medical Genetics Center
Classification: Likely pathogenic for L-2-hydroxyglutaric aciduria. Last evaluated: 2022-05-09. Review status: criteria provided, single submitter. Criteria: ACMG Guidelines, 2015. Collection method: clinical testing. Allele origin: germline. Affected: yes. Observed: 1 variant allele.
Comment: ACMG criteria applied: PS4_MOD, PM3, PM2_SUP, PP1, PP3

Clinical Genetics Laboratory, University Hospital Schleswig-Holstein
Classification: Likely pathogenic for L-2-hydroxyglutaric aciduria. Last evaluated: 2023-09-01. Review status: no assertion criteria provided. Collection method: clinical testing. Allele origin: germline. Affected: yes. Not counted in ClinVar's aggregate classification.

Literature cited by the submitters: PubMed 31942424 (cited by Labcorp Genetics (formerly Invitae), Labcorp).